The following is an entry in ClinVar:

NM_014956.5(CEP164):c.4250G>A (p.Arg1417Gln)

Gene: CEP164 (centrosomal protein 164; plus strand). Cytogenetic location: 11q23.3.
Variant type: single nucleotide variant.
Coding change: c.4250G>A on transcript NM_014956.5 (MANE Select); coding-DNA position 4250, G replaced by A.
Protein change: p.Arg1417Gln; replaces arginine 1417 with glutamine.
Molecular consequence: missense variant.
Genome position (GRCh38, 1-based): chr11:117,411,881, G>A. VCF-style: chr11-117411881-G-A. GRCh37 (hg19) VCF-style: chr11-117282597-G-A.
Other names: c.4235G>A, p.Arg1412Gln (NM_001271933.2); short protein forms R1412Q, R1417Q.
Identifiers: ClinVar variation 1006281 (VCV001006281.8), dbSNP rs560527787, ClinGen allele CA6295766.

ClinVar aggregate classification (germline): Conflicting classifications of pathogenicity. Review status: criteria provided, conflicting classifications (1 of 4 stars). 5 submissions from 5 submitters: Uncertain significance (4); Likely benign (1). Last evaluated 2025-12-03.

Conditions:
CEP164-related disorder. Also called: CEP164-related condition.
Nephronophthisis 15 (NPHP15). Identifiers: Orphanet 3156, MedGen C3541853, MONDO:0013917, OMIM 614845.
Inborn genetic diseases. Identifiers: MedGen C0950123, MeSH D030342.

Allele frequency attached by ClinVar (database versions not stated): TOPMed 0.00002; 1000 Genomes Project 30x 0.00016; 1000 Genomes Project 0.00020.
gnomAD v4.1: 122 of 1,614,126 alleles (0.0076%); highest among the groups gnomAD compares: East Asian, 0.067%; no homozygotes.

Submissions (5):

PreventionGenetics, part of Exact Sciences
Classification: Uncertain significance for CEP164-related condition. Last evaluated: 2025-12-03. Review status: criteria provided, single submitter. Criteria: ACMG Guidelines, 2015. Collection method: clinical testing. Allele origin: germline.
Comment: The CEP164 c.4250G>A variant is predicted to result in the amino acid substitution p.Arg1417Gln. To our knowledge, this variant has not been reported in the literature. This variant is reported in 0.011% of alleles in individuals of East Asian descent in gnomAD. At this time, the clinical significance of this variant is uncertain due to the absence of conclusive functional and genetic evidence.

Ambry Genetics
Classification: Likely benign for Inborn genetic diseases. Last evaluated: 2025-06-05. Review status: criteria provided, single submitter. Criteria: Ambry Variant Classification Scheme 2023. Collection method: clinical testing. Allele origin: germline.

Blueprint Genetics
Classification: Uncertain significance. Last evaluated: 2023-06-26. Review status: criteria provided, single submitter. Criteria: ACMG Guidelines, 2015. Collection method: clinical testing. Allele origin: germline.

Labcorp Genetics (formerly Invitae), Labcorp
Classification: Uncertain significance for Nephronophthisis 15. Last evaluated: 2021-10-31. Review status: criteria provided, single submitter. Criteria: Invitae Variant Classification Sherloc (09022015). Collection method: clinical testing. Allele origin: germline.
Comment: This sequence change replaces arginine, which is basic and polar, with glutamine, which is neutral and polar, at codon 1417 of the CEP164 protein (p.Arg1417Gln). This variant is present in population databases (rs560527787, gnomAD 0.01%). This variant has not been reported in the literature in individuals affected with CEP164-related conditions. ClinVar contains an entry for this variant (Variation ID: 1006281). Algorithms developed to predict the effect of missense changes on protein structure and function are either unavailable or do not agree on the potential impact of this missense change (SIFT: "Deleterious"; PolyPhen-2: "Benign"; Align-GVGD: "Class C35"). In summary, the available evidence is currently insufficient to determine the role of this variant in disease. Therefore, it has been classified as a Variant of Uncertain Significance.

Johns Hopkins Genomics, Johns Hopkins University
Classification: Uncertain significance for Nephronophthisis 15. Last evaluated: 2021-08-19. Review status: criteria provided, single submitter. Criteria: ACMG Guidelines, 2015. Collection method: clinical testing. Allele origin: germline.